The following is an entry in ClinVar:

NM_017852.5(NLRP2):c.1585A>G (p.Thr529Ala)

Gene: NLRP2 (NLR family pyrin domain containing 2; plus strand). Cytogenetic location: 19q13.42.
Variant type: single nucleotide variant.
Coding change: c.1585A>G on transcript NM_017852.5 (MANE Select); coding-DNA position 1585, A replaced by G.
Protein change: p.Thr529Ala; replaces threonine 529 with alanine.
Molecular consequence: missense variant. On other transcripts: non-coding transcript variant (1).
Genome position (GRCh38, 1-based): chr19:54,983,283, A>G. VCF-style: chr19-54983283-A-G. GRCh37 (hg19) VCF-style: chr19-55494651-A-G.
Other names: c.1585A>G, p.Thr529Ala (NM_001174081.3); c.1519A>G, p.Thr507Ala (NM_001174082.3); c.1516A>G, p.Thr506Ala (NM_001174083.2); c.1576A>G, p.Thr526Ala (NM_001348003.2); c.1585A>G (NM_001174081.2); short protein forms T506A, T507A, T526A, T529A.
Identifiers: ClinVar variation 1183312 (VCV001183312.5), dbSNP rs34804158, ClinGen allele CA310105038.

ClinVar aggregate classification (germline): Benign. Review status: criteria provided, multiple submitters, no conflicts (2 of 4 stars). 3 submissions from 3 submitters: Benign (2). 1 of the submissions does not count toward it. Last evaluated 2019-12-18.

Conditions:
NLRP2-related disorder. Also called: NLRP2-related condition.

Allele frequency attached by ClinVar (database versions not stated): 1000 Genomes Project 30x 0.11977; 1000 Genomes Project 0.12001; ExAC 0.17481; gnomAD exomes 0.17646 and 0.23236; TOPMed 0.18439; gnomAD 0.19487 and 0.20061; ESP Exome Variant Server 0.20214.
gnomAD v4.1: 358,856 of 1,575,782 alleles (23%); highest among the groups gnomAD compares: Non-Finnish European, 26%; 48,273 homozygotes.

Submissions (3):

GeneDx
Classification: Benign. Last evaluated: 2019-12-18. Review status: criteria provided, single submitter. Criteria: GeneDx Variant Classification Process June 2021. Collection method: clinical testing. Allele origin: germline. Affected: yes.

Breakthrough Genomics
Classification: Benign. Review status: criteria provided, single submitter. Criteria: ACMG Guidelines, 2015. Collection method: not provided. Allele origin: germline. Inheritance: Unknown mechanism. Affected: yes.

PreventionGenetics, part of Exact Sciences
Classification: Benign for NLRP2-related condition. Last evaluated: 2024-03-06. Review status: no assertion criteria provided. Collection method: clinical testing. Allele origin: germline. Not counted in ClinVar's aggregate classification.
Comment: This variant is classified as benign based on ACMG/AMP sequence variant interpretation guidelines (Richards et al. 2015 PMID: 25741868, with internal and published modifications).